The following is an entry in ClinVar:

NM_032447.5(FBN3):c.5413+3G>A

Gene: FBN3 (fibrillin 3; minus strand). Cytogenetic location: 19p13.2.
Variant type: single nucleotide variant.
Coding change: c.5413+3G>A on transcript NM_032447.5 (MANE Select); 3 bases into the intron after coding-DNA position 5413, G replaced by A.
Molecular consequence: intron variant.
Genome position (GRCh38, 1-based): chr19:8,096,878, C>T on the plus strand (G>A on the coding strand, the complement: FBN3 is on the minus strand). VCF-style: chr19-8096878-C-T. GRCh37 (hg19) VCF-style: chr19-8161762-C-T.
Other names: c.5413+3G>A (NM_001321431.2).
Identifiers: ClinVar variation 4771102 (VCV004771102.1).

ClinVar aggregate classification (germline): Uncertain significance (1 of 4 stars; one submission).

gnomAD v4.1: 6 of 1,612,752 alleles (0.00037%); highest among the groups gnomAD compares: Admixed American, 0.005%; no homozygotes.

Submission:

Labcorp Genetics (formerly Invitae), Labcorp
Classification: Uncertain significance. Last evaluated: 2025-03-23. Review status: criteria provided, single submitter. Criteria: Invitae Variant Classification Sherloc (09022015). Collection method: clinical testing. Allele origin: germline.
Comment: This sequence change falls in intron 43 of the FBN3 gene. It does not directly change the encoded amino acid sequence of the FBN3 protein. It affects a nucleotide within the consensus splice site. This variant is present in population databases (rs772085399, gnomAD 0.01%). This variant has not been reported in the literature in individuals affected with FBN3-related conditions. Variants that disrupt the consensus splice site are a relatively common cause of aberrant splicing (PMID: 17576681, 9536098). Algorithms developed to predict the effect of sequence changes on RNA splicing suggest that this variant is not likely to affect RNA splicing. In summary, the available evidence is currently insufficient to determine the role of this variant in disease. Therefore, it has been classified as a Variant of Uncertain Significance.

Literature cited by the submitters: PubMed 17576681; PubMed 9536098.